The following is an entry in ClinVar:

ClinVar aggregate classification (germline): Conflicting classifications of pathogenicity. Review status: criteria provided, conflicting classifications (1 of 4 stars). 2 submissions from 2 submitters: Likely pathogenic (1); Uncertain significance (1). Last evaluated 2022-09-23.

Conditions:
Baraitser-Winter syndrome 1 (BRWS1). Also called: MENTAL RETARDATION WITH EPILEPSY AND CHARACTERISTIC FACIES; PACHYGYRIA, MENTAL RETARDATION, EPILEPSY, AND CHARACTERISTIC FACIES; Cerebrofrontofacial syndrome; BARAITSER-WINTER SYNDROME 1, ATYPICAL. Identifiers: Orphanet 2649, Orphanet 2995, MedGen C1855722, MONDO:0009470, OMIM 243310.

Submissions (2):

Labcorp Genetics (formerly Invitae), Labcorp
Classification: Likely pathogenic for Baraitser-Winter syndrome 1. Last evaluated: 2022-09-23. Review status: criteria provided, single submitter. Criteria: Invitae Variant Classification Sherloc (09022015). Collection method: clinical testing. Allele origin: germline.
Comment: This variant is not present in population databases (gnomAD no frequency). This sequence change replaces glycine, which is neutral and non-polar, with aspartic acid, which is acidic and polar, at codon 48 of the ACTB protein (p.Gly48Asp). This missense change has been observed in individual(s) with clinical features of Baraister-Winter syndrome (Invitae). In at least one individual the variant was observed to be de novo. ClinVar contains an entry for this variant (Variation ID: 279940). Advanced modeling of protein sequence and biophysical properties (such as structural, functional, and spatial information, amino acid conservation, physicochemical variation, residue mobility, and thermodynamic stability) performed at Invitae indicates that this missense variant is not expected to disrupt ACTB protein function. This variant disrupts the p.Gly48 amino acid residue in ACTB. Other variant(s) that disrupt this residue have been observed in individuals with ACTB-related conditions (PMID: 32901917), which suggests that this may be a clinically significant amino acid residue. In summary, the currently available evidence indicates that the variant is pathogenic, but additional data are needed to prove that conclusively. Therefore, this variant has been classified as Likely Pathogenic.

GeneDx
Classification: Uncertain significance. Last evaluated: 2016-05-25. Review status: criteria provided, single submitter. Criteria: GeneDx Variant Classification (06012015). Collection method: clinical testing. Allele origin: germline. Affected: yes.
Comment: The variant was not observed in approximately 6,500 individuals of European and African American ancestry in the NHLBI Exome Sequencing Project, indicating it is not a common benign variant in these populations. G48D is a non-conservative amino acid substitution, which is likely to impact secondary protein structure as these residues differ in polarity, charge, size and/or other properties. However, this substitution occurs at a position that is not conserved. Additionally, in silico analysis predicts this variant is probably damaging to the protein structure/function. Therefore, based on the currently available information, it is unclear whether this variant is a pathogenic variant or a rare benign variant.

Literature cited by the submitters: PubMed 32901917 (cited by Labcorp Genetics (formerly Invitae), Labcorp).

NM_001101.5(ACTB):c.143G>A (p.Gly48Asp)

Gene: ACTB (actin beta; minus strand). Cytogenetic location: 7p22.1.
Variant type: single nucleotide variant.
Coding change: c.143G>A on transcript NM_001101.5 (MANE Select); coding-DNA position 143, G replaced by A.
Protein change: p.Gly48Asp; replaces glycine 48 with aspartic acid.
Molecular consequence: missense variant.
Genome position (GRCh38, 1-based): chr7:5,529,381, C>T on the plus strand (G>A on the coding strand, the complement: ACTB is on the minus strand). VCF-style: chr7-5529381-C-T. GRCh37 (hg19) VCF-style: chr7-5569012-C-T.
Other names: c.143G>A (LRG_132t1); short protein forms G48D.
Identifiers: ClinVar variation 279940 (VCV000279940.5), dbSNP rs886041268, ClinGen allele CA10602961.
Genomic context (GRCh38, chr7:5,529,381, plus strand): 5'-TTCAGGGTGAGGATGCCTCTCTTGCTCTGGGCCTCGTCGCCCACATAGGAATCCTTCTGA[C>T]CCATGCCCACCATCACGCCCTGGGAAGGAAAGGACAAGAAGCCCTGAGCACGGGCGCAGC-3'
Protein context (NP_001092.1, residues 38-58): PRHQGVMVGM[Gly48Asp]QKDSYVGDEA